The following is an entry in ClinVar:

ClinVar aggregate classification (germline): Uncertain significance. Review status: criteria provided, multiple submitters, no conflicts (2 of 4 stars). 2 submissions from 2 submitters: Uncertain significance (2). Last evaluated 2023-06-14.

Conditions:
Brugada syndrome. Also called: Sudden unexpected nocturnal death syndrome; Sudden Unexplained Death Syndrome; Sudden Unexplained Nocturnal Death Syndrome (SUNDS); Sudden unexplained nocturnal death syndrome. Identifiers: Orphanet 130, MedGen C1142166, MONDO:0015263.

Allele frequency attached by ClinVar (database versions not stated): gnomAD exomes below 0.00001; ExAC 0.00001.
gnomAD v4.1: 3 of 1,587,454 alleles (0.00019%); highest among the groups gnomAD compares: South Asian, 0.0022%; no homozygotes.

Submissions (2):

Ambry Genetics
Classification: Uncertain significance. Last evaluated: 2023-06-14. Review status: criteria provided, single submitter. Criteria: Ambry Variant Classification Scheme 2023. Collection method: clinical testing. Allele origin: germline.
Comment: The p.I314S variant (also known as c.941T>G), located in coding exon 9 of the SLMAP gene, results from a T to G substitution at nucleotide position 941. The isoleucine at codon 314 is replaced by serine, an amino acid with dissimilar properties. This amino acid position is conserved. In addition, this alteration is predicted to be deleterious by in silico analysis. Since supporting evidence is limited at this time, the clinical significance of this alteration remains unclear.

Labcorp Genetics (formerly Invitae), Labcorp
Classification: Uncertain significance for Brugada syndrome. Last evaluated: 2020-01-23. Review status: criteria provided, single submitter. Criteria: Invitae Variant Classification Sherloc (09022015). Collection method: clinical testing. Allele origin: germline.
Comment: In summary, the available evidence is currently insufficient to determine the role of this variant in disease. Therefore, it has been classified as a Variant of Uncertain Significance. Algorithms developed to predict the effect of missense changes on protein structure and function are either unavailable or do not agree on the potential impact of this missense change (SIFT: "Deleterious"; PolyPhen-2: "Benign"; Align-GVGD: "Class C65"). This variant has not been reported in the literature in individuals with SLMAP-related conditions. This variant is present in population databases (rs779312973, ExAC 0.006%). This sequence change replaces isoleucine with serine at codon 314 of the SLMAP protein (p.Ile314Ser). The isoleucine residue is highly conserved and there is a large physicochemical difference between isoleucine and serine.

NM_001377540.1(SLMAP):c.941T>G (p.Ile314Ser)

Gene: SLMAP (sarcolemma associated protein; plus strand). Cytogenetic location: 3p14.3.
Variant type: single nucleotide variant.
Coding change: c.941T>G on transcript NM_001377540.1 (MANE Select); coding-DNA position 941, T replaced by G.
Protein change: p.Ile314Ser; replaces isoleucine 314 with serine.
Molecular consequence: missense variant. On other transcripts: non-coding transcript variant (1).
Genome position (GRCh38, 1-based): chr3:57,862,061, T>G. VCF-style: chr3-57862061-T-G. GRCh37 (hg19) VCF-style: chr3-57847788-T-G.
Other names: c.941T>G, p.Ile314Ser (NM_001304420.3, NM_001304421.2, NM_001377538.1 and 17 more transcripts); c.941T>G (NM_007159.2); short protein forms I314S.
Identifiers: ClinVar variation 1015569 (VCV001015569.7), dbSNP rs779312973, ClinGen allele CA2466970.